The following is an entry in ClinVar:

ClinVar aggregate classification (germline): Pathogenic (1 of 4 stars; one submission).

Submission:

Labcorp Genetics (formerly Invitae), Labcorp
Classification: Pathogenic. Last evaluated: 2022-08-24. Review status: criteria provided, single submitter. Criteria: Invitae Variant Classification Sherloc (09022015). Collection method: clinical testing. Allele origin: germline.
Comment: For these reasons, this variant has been classified as Pathogenic. This variant has not been reported in the literature in individuals affected with FLAD1-related conditions. This variant is present in population databases (rs755718337, gnomAD 0.003%). This sequence change creates a premature translational stop signal (p.Glu266Argfs*3) in the FLAD1 gene. It is expected to result in an absent or disrupted protein product. Loss-of-function variants in FLAD1 are known to be pathogenic (PMID: 27259049).

Literature cited by the submitters: PubMed 27259049.

NM_025207.5(FLAD1):c.796del (p.Glu266fs)

Gene: FLAD1 (flavin adenine dinucleotide synthetase 1; plus strand). Cytogenetic location: 1q21.3.
Variant type: Deletion.
Coding change: c.796del on transcript NM_025207.5 (MANE Select); coding-DNA position 796, one base deleted (G; older notation c.796delG).
Protein change: p.Glu266fs; shifts the reading frame from glutamic acid 266.
Molecular consequence: frameshift variant.
Genome position (GRCh38, 1-based): chr1:154,988,528, G deleted; the last of 2 consecutive G bases (chr1:154,988,527-154,988,528); deleting either gives the same sequence. VCF-style (leftmost placement, unchanged base first): chr1-154988526-TG-T. GRCh37 (hg19) VCF-style: chr1-154961002-TG-T.
Other names: c.505del, p.Glu169fs (NM_001184891.2, NM_201398.3); c.499del, p.Glu167fs (NM_001184892.2); short protein forms E169fs, E167fs, E266fs.
Identifiers: ClinVar variation 2025475 (VCV002025475.4), dbSNP rs755718337, ClinGen allele CA1134406.